The following is an entry in ClinVar:

ClinVar aggregate classification (germline): Benign/Likely benign. Review status: criteria provided, multiple submitters, no conflicts (2 of 4 stars). 4 submissions from 3 submitters: Benign (1); Likely benign (3). Last evaluated 2025-12-01.

Conditions:
Developmental and epileptic encephalopathy, 14 (DEE14). Also called: Early infantile epileptic encephalopathy 14. Identifiers: Orphanet 293181, MedGen C3554195, MONDO:0013989, OMIM 614959.
Autosomal dominant nocturnal frontal lobe epilepsy 5. Also called: CILIARY DYSKINESIA, PRIMARY, 28, WITH SITUS INVERSUS; Epilepsy, nocturnal frontal lobe, 5; CILIARY DYSKINESIA, PRIMARY, 28, WITHOUT SITUS INVERSUS; KCNT1-Related Epilepsy. Identifiers: Orphanet 98784, MedGen C3554306, MONDO:0014002, OMIM 615005.

Allele frequency attached by ClinVar (database versions not stated): TOPMed 0.00013; ExAC 0.00015; gnomAD 0.00003 and 0.00004; gnomAD exomes 0.00004 and 0.00019.
gnomAD v4.1: 63 of 1,581,942 alleles (0.004%); highest among the groups gnomAD compares: Admixed American, 0.11%; no homozygotes.

Submissions (4):

Labcorp Genetics (formerly Invitae), Labcorp
Classification: Benign for Autosomal dominant nocturnal frontal lobe epilepsy 5; Developmental and epileptic encephalopathy, 14. Last evaluated: 2025-12-01. Review status: criteria provided, single submitter. Criteria: Invitae Variant Classification Sherloc (09022015). Collection method: clinical testing. Allele origin: germline.

Genome-Nilou Lab
Classification: Likely benign for Developmental and epileptic encephalopathy, 14. Last evaluated: 2022-03-15. Review status: criteria provided, single submitter. Criteria: ACMG Guidelines, 2015. Collection method: clinical testing. Allele origin: germline. Affected: no.

Genome-Nilou Lab
Classification: Likely benign for Autosomal dominant nocturnal frontal lobe epilepsy 5. Last evaluated: 2022-03-15. Review status: criteria provided, single submitter. Criteria: ACMG Guidelines, 2015. Collection method: clinical testing. Allele origin: germline. Affected: no.

GeneDx
Classification: Likely benign. Last evaluated: 2017-11-03. Review status: criteria provided, single submitter. Criteria: GeneDx Variant Classification (06012015). Collection method: clinical testing. Allele origin: germline. Affected: yes.
Comment: This variant is considered likely benign or benign based on one or more of the following criteria: it is a conservative change, it occurs at a poorly conserved position in the protein, it is predicted to be benign by multiple in silico algorithms, and/or has population frequency not consistent with disease.

NM_020822.3(KCNT1):c.2841+10C>T

Gene: KCNT1 (potassium sodium-activated channel subfamily T member 1; plus strand). Cytogenetic location: 9q34.3.
Variant type: single nucleotide variant.
Coding change: c.2841+10C>T on transcript NM_020822.3 (MANE Select); 10 bases into the intron after coding-DNA position 2841, C replaced by T.
Molecular consequence: intron variant.
Genome position (GRCh38, 1-based): chr9:135,779,480, C>T. VCF-style: chr9-135779480-C-T. GRCh37 (hg19) VCF-style: chr9-138671326-C-T.
Other names: c.2706+10C>T (NM_001272003.2).
Identifiers: ClinVar variation 417210 (VCV000417210.13), dbSNP rs765179799, ClinGen allele CA5327455.